The following is an entry in ClinVar:

NM_144573.4(NEXN):c.1877A>G (p.Glu626Gly)

Gene: NEXN (nexilin F-actin binding protein; plus strand). Cytogenetic location: 1p31.1.
Variant type: single nucleotide variant.
Coding change: c.1877A>G on transcript NM_144573.4 (MANE Select); coding-DNA position 1877, A replaced by G.
Protein change: p.Glu626Gly; replaces glutamic acid 626 with glycine.
Molecular consequence: missense variant.
Genome position (GRCh38, 1-based): chr1:77,942,678, A>G. VCF-style: chr1-77942678-A-G. GRCh37 (hg19) VCF-style: chr1-78408363-A-G.
Other names: c.1685A>G, p.Glu562Gly (NM_001172309.2); short protein forms E626G, E562G.
Identifiers: ClinVar variation 665536 (VCV000665536.8), dbSNP rs1571175641, ClinGen allele CA340883094.

ClinVar aggregate classification (germline): Uncertain significance (1 of 4 stars; one submission).

Conditions:
Dilated cardiomyopathy 1CC (CMD1CC). Identifiers: Orphanet 154, MedGen C2751084, MONDO:0013147, OMIM 613122.
Hypertrophic cardiomyopathy 20. Identifiers: MedGen C3151267, MONDO:0013477, OMIM 613876.

Allele frequency attached by ClinVar (database versions not stated): gnomAD exomes below 0.00001.
gnomAD v4.1: 1 of 1,613,786 alleles (0.000062%); highest among the groups gnomAD compares: Admixed American, 0.0017%; no homozygotes.

Submission:

Labcorp Genetics (formerly Invitae), Labcorp
Classification: Uncertain significance for Dilated cardiomyopathy 1CC; Hypertrophic cardiomyopathy 20. Last evaluated: 2020-02-11. Review status: criteria provided, single submitter. Criteria: Invitae Variant Classification Sherloc (09022015). Collection method: clinical testing. Allele origin: germline.
Comment: In summary, the available evidence is currently insufficient to determine the role of this variant in disease. Therefore, it has been classified as a Variant of Uncertain Significance. Algorithms developed to predict the effect of missense changes on protein structure and function are either unavailable or do not agree on the potential impact of this missense change (SIFT: "Deleterious"; PolyPhen-2: "Probably Damaging"; Align-GVGD: "Class C0"). This variant has not been reported in the literature in individuals with NEXN-related disease. This variant is not present in population databases (ExAC no frequency). This sequence change replaces glutamic acid with glycine at codon 626 of the NEXN protein (p.Glu626Gly). The glutamic acid residue is highly conserved and there is a moderate physicochemical difference between glutamic acid and glycine.